The following is an entry in ClinVar:

NM_001308093.3(GATA4):c.205G>T (p.Gly69Cys)

Gene: GATA4 (GATA binding protein 4). Cytogenetic location: 8p23.1.
Variant type: single nucleotide variant.
Coding change: c.205G>T on transcript NM_001308093.3 (MANE Select); coding-DNA position 205, G replaced by T.
Protein change: p.Gly69Cys; replaces glycine 69 with cysteine.
Molecular consequence: missense variant. On other transcripts: intron variant (3).
Genome position (GRCh38, 1-based): chr8:11,708,517, G>T. VCF-style: chr8-11708517-G-T. GRCh37 (hg19) VCF-style: chr8-11566026-G-T.
Other names: c.205G>T, p.Gly69Cys (NM_002052.5); c.-6+7739G>T (NM_001308094.2); c.-3+503G>T (NM_001374274.1); c.-3+4213G>T (NM_001374273.1); short protein forms G69C.
Identifiers: ClinVar variation 2913906 (VCV002913906.3), dbSNP rs1326304521, ClinGen allele CA370309148.

ClinVar aggregate classification (germline): Uncertain significance (1 of 4 stars; one submission).

Conditions:
Atrioventricular septal defect 4 (AVSD4). Identifiers: MedGen C3280781, MONDO:0013747, OMIM 614430.

Allele frequency attached by ClinVar (database versions not stated): TOPMed below 0.00001; gnomAD 0.00001.
gnomAD v4.1: 9 of 1,468,352 alleles (0.00061%); highest among the groups gnomAD compares: East Asian, 0.014%; no homozygotes.

Submission:

Labcorp Genetics (formerly Invitae), Labcorp
Classification: Uncertain significance for Atrioventricular septal defect 4. Last evaluated: 2024-10-24. Review status: criteria provided, single submitter. Criteria: Invitae Variant Classification Sherloc (09022015). Collection method: clinical testing. Allele origin: germline.
Comment: This sequence change replaces glycine, which is neutral and non-polar, with cysteine, which is neutral and slightly polar, at codon 69 of the GATA4 protein (p.Gly69Cys). The frequency data for this variant in the population databases is considered unreliable, as metrics indicate poor data quality at this position in the gnomAD database. This variant has not been reported in the literature in individuals affected with GATA4-related conditions. Invitae Evidence Modeling of protein sequence and biophysical properties (such as structural, functional, and spatial information, amino acid conservation, physicochemical variation, residue mobility, and thermodynamic stability) has been performed for this missense variant. However, the output from this modeling did not meet the statistical confidence thresholds required to predict the impact of this variant on GATA4 protein function. In summary, the available evidence is currently insufficient to determine the role of this variant in disease. Therefore, it has been classified as a Variant of Uncertain Significance.